The following is an entry in ClinVar:

NM_172107.4(KCNQ2):c.1539del (p.Gly514fs)

Gene: KCNQ2 (potassium voltage-gated channel subfamily Q member 2; minus strand). Cytogenetic location: 20q13.33.
Variant type: Deletion.
Coding change: c.1539del on transcript NM_172107.4 (MANE Select); coding-DNA position 1539, one base deleted (C; older notation c.1539delC).
Protein change: p.Gly514fs; shifts the reading frame from glycine 514.
Molecular consequence: frameshift variant.
Genome position (GRCh38, 1-based): chr20:63,414,180, G deleted on the plus strand (C on the coding strand, the reverse complement: KCNQ2 is on the minus strand); the first of 4 consecutive G bases (chr20:63,414,180-63,414,183); deleting any one gives the same sequence. VCF-style (leftmost placement, unchanged base first): chr20-63414179-CG-C. GRCh37 (hg19) VCF-style: chr20-62045532-CG-C.
Other names: c.1455del, p.Gly486fs (NM_004518.6); c.1485del, p.Gly496fs (NM_172106.3); c.1446del, p.Gly483fs (NM_172108.5); short protein forms G514fs, G483fs, G486fs, G496fs.
Identifiers: ClinVar variation 420760 (VCV000420760.2), dbSNP rs1064794686, ClinGen allele CA16620963.
Genomic context (GRCh38, chr20:63,414,179, plus strand): 5'-GGGTCAGGTCCTCGGTCACAAACTCGCAGGGGCAGCTCTTGTCATCCACAATGTCCTCTC[CG>C]GGGAGGCTTGCTTCTGGGGGGAAGGAGACAGGCCGTGAGGGGCCGAGGGGGCCGGGAGAC-3'

ClinVar aggregate classification (germline): Likely pathogenic (1 of 4 stars; one submission).

Submission:

GeneDx
Classification: Likely pathogenic. Last evaluated: 2016-04-06. Review status: criteria provided, single submitter. Criteria: GeneDx Variant Classification (06012015). Collection method: clinical testing. Allele origin: germline. Affected: yes.
Comment: A novel c.1539delC variant that is likely pathogenic has been identified in the KCNQ2 gene. The c.1539delC variant has not been published as a pathogenic variant, nor has it been reported as a benign variant to our knowledge. The c.1539delC variant causes a frameshift starting with codon Glycine 514, changes this amino acid to a Glutamic acid residue and creates a premature Stop codon at position 15 of the new reading frame, denoted p.Gly514GlufsX15. This variant is predicted to cause loss of normal protein function either through protein truncation or nonsense-mediated mRNA decay. Furthermore, it was not observed in approximately 6,500 individuals of European and African American ancestry in the NHLBI Exome Sequencing Project, indicating it is not a common benign variant in these populations. Although this variant has not been previously reported to our knowledge, other frameshift variants have been reported in the Human Gene Mutation Database in association with KCNQ2-related disorders (Stenson et al., 2014). Therefore, this variant is likely pathogenic; however, the possibility that it is benign cannot be excluded.